The following is an entry in ClinVar:

ClinVar aggregate classification (germline): Likely pathogenic (1 of 4 stars; one submission).

Conditions:
MYH7B-related hypertrophic cardiomyopathy.

Submission:

3billion
Classification: Likely pathogenic for MYH7B-related hypertrophic cardiomyopathy. Last evaluated: 2023-06-21. Review status: criteria provided, single submitter. Criteria: ACMG Guidelines, 2015. Collection method: clinical testing. Allele origin: germline. Affected: yes.
Comment: The variant is not observed in the gnomAD v2.1.1 dataset. Predicted Consequence/Location: Frameshift: predicted to result in a loss or disruption of normal protein function through nonsense-mediated decay (NMD) or protein truncation. Multiple pathogenic variants are reported downstream of the variant. Therefore, this variant is classified as Likely pathogenic according to the recommendation of ACMG/AMP guideline.

NM_020884.7(MYH7B):c.882_883del (p.Gly295fs)

Gene: MYH7B (myosin heavy chain 7B; plus strand). Cytogenetic location: 20q11.22.
Variant type: Deletion.
Coding change: c.882_883del on transcript NM_020884.7 (MANE Select); coding-DNA positions 882 to 883, 2 bases deleted (AG; older notation c.882_883delAG).
Protein change: p.Gly295fs; shifts the reading frame from glycine 295.
Molecular consequence: frameshift variant.
Genome position (GRCh38, 1-based): chr20:34,986,176-34,986,177, AG deleted. VCF-style (leftmost placement, unchanged base first): chr20-34986175-CAG-C. GRCh37 (hg19) VCF-style: chr20-33573978-CAG-C.
Other names: short protein forms G295fs.
Identifiers: ClinVar variation 3775822 (VCV003775822.1).
Genomic context (GRCh38, chr20:34,986,175, plus strand): 5'-CGCGGGTGATCTTCCAGTTGCCTGGTGAGCGCAGCTACCATGTCTACTACCAGATCCTCT[CAG>C]GGAGGAAGCCAGAGCTGCAGGGTGAGGGGCAGTACGATGAAGGGGGTGGGAGTCAGAACC-3'